The following is an entry in ClinVar:

NM_000441.2(SLC26A4):c.466G>C (p.Ala156Pro)

Gene: SLC26A4 (solute carrier family 26 member 4; plus strand). Cytogenetic location: 7q22.3.
Variant type: single nucleotide variant.
Coding change: c.466G>C on transcript NM_000441.2 (MANE Select); coding-DNA position 466, G replaced by C.
Protein change: p.Ala156Pro; replaces alanine 156 with proline.
Molecular consequence: missense variant.
Genome position (GRCh38, 1-based): chr7:107,674,214, G>C. VCF-style: chr7-107674214-G-C. GRCh37 (hg19) VCF-style: chr7-107314659-G-C.
Other names: short protein forms A156P.
Identifiers: ClinVar variation 2991556 (VCV002991556.4), dbSNP rs759991375, ClinGen allele CA4432487.

ClinVar aggregate classification (germline): Likely pathogenic. Review status: criteria provided, multiple submitters, no conflicts (2 of 4 stars). 2 submissions from 2 submitters: Likely pathogenic (2). Last evaluated 2025-06-25.

Conditions:
Autosomal recessive nonsyndromic hearing loss 4 (DFNB4). Also called: NEUROSENSORY NONSYNDROMIC RECESSIVE DEAFNESS 4; FOXI1-Related Pendred Syndrome; KCNJ10-Related Pendred Syndrome; DEAFNESS, AUTOSOMAL RECESSIVE 4, WITH ENLARGED VESTIBULAR AQUEDUCT, DIGENIC; Nonsyndromic enlarged vestibular aqueduct (NSEVA); Deafness, autosomal recessive 4, with enlarged vestibular aqueduct. Identifiers: Orphanet 90636, MedGen C3538946, MONDO:0010933, OMIM 600791.
Pendred syndrome (PDS). Also called: DEAFNESS WITH GOITER; GOITER-DEAFNESS SYNDROME; HYPOTHYROIDISM, CONGENITAL, DUE TO DYSHORMONOGENESIS, 2B; THYROID DYSHORMONOGENESIS 2B; THYROID HORMONOGENESIS, GENETIC DEFECT IN, 2B; Pendred's syndrome. Identifiers: Orphanet 705, MedGen C0271829, MONDO:0010134, OMIM 274600.

Allele frequency attached by ClinVar (database versions not stated): ExAC 0.00002; gnomAD exomes 0.00001.
gnomAD v4.1: 12 of 1,614,036 alleles (0.00074%); highest among the groups gnomAD compares: South Asian, 0.0011%; no homozygotes.

Submissions (2):

First Genomix Gene Laboratory, Genetic Diagnostics Department
Classification: Likely pathogenic for Autosomal recessive nonsyndromic hearing loss 4; Pendred syndrome. Last evaluated: 2025-06-25. Review status: criteria provided, single submitter. Criteria: ACMG Guidelines, 2015. Collection method: clinical testing. Allele origin: germline. Inheritance: Autosomal recessive inheritance. Affected: no. Observed: 1 variant allele.

Labcorp Genetics (formerly Invitae), Labcorp
Classification: Likely pathogenic. Last evaluated: 2023-12-18. Review status: criteria provided, single submitter. Criteria: Invitae Variant Classification Sherloc (09022015). Collection method: clinical testing. Allele origin: germline.
Comment: This sequence change replaces alanine, which is neutral and non-polar, with proline, which is neutral and non-polar, at codon 156 of the SLC26A4 protein (p.Ala156Pro). This variant is present in population databases (rs759991375, gnomAD 0.003%). This missense change has been observed in individual(s) with deafness (Invitae). In at least one individual the data is consistent with being in trans (on the opposite chromosome) from a pathogenic variant. Advanced modeling of protein sequence and biophysical properties (such as structural, functional, and spatial information, amino acid conservation, physicochemical variation, residue mobility, and thermodynamic stability) performed at Invitae indicates that this missense variant is expected to disrupt SLC26A4 protein function with a positive predictive value of 95%. In summary, the currently available evidence indicates that the variant is pathogenic, but additional data are needed to prove that conclusively. Therefore, this variant has been classified as Likely Pathogenic.